The following is an entry in ClinVar:

ClinVar aggregate classification (germline): Uncertain significance (1 of 4 stars; one submission).

Conditions:
Tuberous sclerosis syndrome (TSC). Also called: Tuberous Sclerosis Complex; Tuberous sclerosis. Identifiers: Orphanet 805, MedGen C0041341, MONDO:0001734.

Submission:

All of Us Research Program, National Institutes of Health
Classification: Uncertain significance for Tuberous sclerosis syndrome. Last evaluated: 2024-03-24. Review status: criteria provided, single submitter. Criteria: ACMG Guidelines, 2015. Collection method: clinical testing. Allele origin: germline. Inheritance: Autosomal dominant inheritance. Observed: 1 variant allele, 1 heterozygote.
Comment: This missense variant replaces leucine with proline at codon 264 of the TSC1 protein. Computational prediction suggests that this variant may have deleterious impact on protein structure and function (internally defined REVEL score threshold >= 0.7, PMID: 27666373). To our knowledge, functional studies have not been reported for this variant. This variant has not been reported in individuals affected with TSC1-related disorders in the literature. This variant has not been identified in the general population by the Genome Aggregation Database (gnomAD). The available evidence is insufficient to determine the role of this variant in disease conclusively. Therefore, this variant is classified as a Variant of Uncertain Significance.

This study involves interpretation of variants in research participants for the purpose of population health screening. Participant phenotype was not available at the time of variant classification. Additional details can be found in publication PMID: 35346344, PMCID: PMC8962531

NM_000368.5(TSC1):c.791T>C (p.Leu264Pro)

Gene: TSC1 (TSC complex subunit 1; minus strand). Cytogenetic location: 9q34.13.
Variant type: single nucleotide variant.
Coding change: c.791T>C on transcript NM_000368.5 (MANE Select); coding-DNA position 791, T replaced by C.
Protein change: p.Leu264Pro; replaces leucine 264 with proline.
Molecular consequence: missense variant. On other transcripts: 5 prime UTR variant (5), non-coding transcript variant (5).
Genome position (GRCh38, 1-based): chr9:132,912,404, A>G on the plus strand (T>C on the coding strand, the complement: TSC1 is on the minus strand). VCF-style: chr9-132912404-A-G. GRCh37 (hg19) VCF-style: chr9-135787791-A-G.
Other names: c.791T>C, p.Leu264Pro (NM_001162426.2, NM_001406592.1, NM_001406593.1 and 16 more transcripts); c.638T>C, p.Leu213Pro (NM_001162427.2, NM_001406610.1, NM_001406611.1 and 2 more transcripts); c.428T>C, p.Leu143Pro (NM_001362177.2, NM_001406624.1, NM_001406625.1 and 10 more transcripts); c.-161T>C (NM_001406626.1, NM_001406627.1, NM_001406628.1); c.-303T>C (NM_001406629.1, NM_001406630.1); short protein forms L143P, L213P, L264P.
Identifiers: ClinVar variation 3386150 (VCV003386150.1).